The following is an entry in ClinVar:

ClinVar aggregate classification (germline): Uncertain significance. Review status: criteria provided, multiple submitters, no conflicts (2 of 4 stars). 2 submissions from 2 submitters: Uncertain significance (2). Last evaluated 2023-12-28.

Conditions:
Primary dilated cardiomyopathy (DCM). Also called: Dilated Cardiomyopathy. Identifiers: Orphanet 217604, MedGen C0007193, MeSH D002311, MONDO:0005021, HP:0001644. Inheritance: Various modes of inheritance.

Allele frequency attached by ClinVar (database versions not stated): gnomAD exomes below 0.00001 and 0.00001; ExAC 0.00001; gnomAD 0.00001 and 0.00002; TOPMed 0.00002.
gnomAD v4.1: 8 of 1,611,394 alleles (0.0005%); highest among the groups gnomAD compares: South Asian, 0.0055%; no homozygotes.

Submissions (2):

Ambry Genetics
Classification: Uncertain significance. Last evaluated: 2023-12-28. Review status: criteria provided, single submitter. Criteria: Ambry Variant Classification Scheme 2023. Collection method: clinical testing. Allele origin: germline.

Labcorp Genetics (formerly Invitae), Labcorp
Classification: Uncertain significance for Primary dilated cardiomyopathy. Last evaluated: 2019-06-09. Review status: criteria provided, single submitter. Criteria: Invitae Variant Classification Sherloc (09022015). Collection method: clinical testing. Allele origin: germline.
Comment: In summary, the available evidence is currently insufficient to determine the role of this variant in disease. Therefore, it has been classified as a Variant of Uncertain Significance. Algorithms developed to predict the effect of missense changes on protein structure and function (SIFT, PolyPhen-2, Align-GVGD) all suggest that this variant is likely to be tolerated, but these predictions have not been confirmed by published functional studies and their clinical significance is uncertain. This variant has not been reported in the literature in individuals with NEBL-related conditions. This variant is present in population databases (rs761169055, ExAC 0.006%). This sequence change replaces isoleucine with threonine at codon 456 of the NEBL protein (p.Ile456Thr). The isoleucine residue is weakly conserved and there is a moderate physicochemical difference between isoleucine and threonine.

NM_006393.3(NEBL):c.1367T>C (p.Ile456Thr)

Gene: NEBL (nebulette; minus strand). Cytogenetic location: 10p12.31.
Variant type: single nucleotide variant.
Coding change: c.1367T>C on transcript NM_006393.3 (MANE Select); coding-DNA position 1367, T replaced by C.
Protein change: p.Ile456Thr; replaces isoleucine 456 with threonine.
Molecular consequence: missense variant. On other transcripts: intron variant (9).
Genome position (GRCh38, 1-based): chr10:20,835,595, A>G on the plus strand (T>C on the coding strand, the complement: NEBL is on the minus strand). VCF-style: chr10-20835595-A-G. GRCh37 (hg19) VCF-style: chr10-21124524-A-G.
Other names: c.250-22655T>C (NM_001377326.1, NM_001377327.1, NM_001377328.1); c.358-22655T>C (NM_213569.2, NM_001173484.2, NM_001377322.1); c.301-22655T>C (NM_001377324.1); c.292-22655T>C (NM_001377325.1); c.310-22655T>C (NM_001377323.1); short protein forms I456T.
Identifiers: ClinVar variation 948923 (VCV000948923.12), dbSNP rs761169055, ClinGen allele CA5432889.